The following is an entry in ClinVar:

NM_015047.3(EMC1):c.1616T>C (p.Val539Ala)

Genes: EMC1 (ER membrane protein complex subunit 1; minus strand), EMC1-AS1 (EMC1 antisense RNA 1; plus strand). Cytogenetic location: 1p36.13.
Variant type: single nucleotide variant.
Coding change: c.1616T>C on transcript NM_015047.3 (MANE Select); coding-DNA position 1616, T replaced by C.
Protein change: p.Val539Ala; replaces valine 539 with alanine.
Molecular consequence: missense variant.
Genome position (GRCh38, 1-based): chr1:19,232,952, A>G on the plus strand (T>C on the coding strand, the complement: EMC1 is on the minus strand). VCF-style: chr1-19232952-A-G. GRCh37 (hg19) VCF-style: chr1-19559446-A-G.
Other names: c.1613T>C, p.Val538Ala (NM_001271427.2, NM_001271428.2); c.1550T>C, p.Val517Ala (NM_001271429.2); c.1625T>C, p.Val542Ala (NM_001375820.1); c.1622T>C, p.Val541Ala (NM_001375821.1); c.1616T>C (NM_015047.1); short protein forms V517A, V538A, V541A, V539A, V542A.
Identifiers: ClinVar variation 1047517 (VCV001047517.7), dbSNP rs1234115482, ClinGen allele CA338762180.

ClinVar aggregate classification (germline): Uncertain significance. Review status: criteria provided, multiple submitters, no conflicts (2 of 4 stars). 2 submissions from 2 submitters: Uncertain significance (2). Last evaluated 2024-09-04.

Conditions:
Inborn genetic diseases. Identifiers: MedGen C0950123, MeSH D030342.

Allele frequency attached by ClinVar (database versions not stated): gnomAD exomes below 0.00001 and 0.00003; gnomAD 0.00001; TOPMed 0.00002.

Submissions (2):

Ambry Genetics
Classification: Uncertain significance for Inborn genetic diseases. Last evaluated: 2024-09-04. Review status: criteria provided, single submitter. Criteria: Ambry Variant Classification Scheme 2023. Collection method: clinical testing. Allele origin: germline.

Labcorp Genetics (formerly Invitae), Labcorp
Classification: Uncertain significance. Last evaluated: 2022-08-16. Review status: criteria provided, single submitter. Criteria: Invitae Variant Classification Sherloc (09022015). Collection method: clinical testing. Allele origin: germline.
Comment: Algorithms developed to predict the effect of missense changes on protein structure and function output the following: SIFT: "Tolerated"; PolyPhen-2: "Benign"; Align-GVGD: "Class C0". The alanine amino acid residue is found in multiple mammalian species, which suggests that this missense change does not adversely affect protein function. ClinVar contains an entry for this variant (Variation ID: 1047517). This variant has not been reported in the literature in individuals affected with EMC1-related conditions. This variant is present in population databases (no rsID available, gnomAD 0.004%). This sequence change replaces valine, which is neutral and non-polar, with alanine, which is neutral and non-polar, at codon 539 of the EMC1 protein (p.Val539Ala). In summary, the available evidence is currently insufficient to determine the role of this variant in disease. Therefore, it has been classified as a Variant of Uncertain Significance.